The following is an entry in ClinVar:

NM_004408.4(DNM1):c.1352G>A (p.Arg451Gln)

Gene: DNM1 (dynamin 1; plus strand). Cytogenetic location: 9q34.11.
Variant type: single nucleotide variant.
Coding change: c.1352G>A on transcript NM_004408.4 (MANE Select); coding-DNA position 1352, G replaced by A.
Protein change: p.Arg451Gln; replaces arginine 451 with glutamine.
Molecular consequence: missense variant.
Genome position (GRCh38, 1-based): chr9:128,234,037, G>A. VCF-style: chr9-128234037-G-A. GRCh37 (hg19) VCF-style: chr9-130996316-G-A.
Other names: c.1352G>A, p.Arg451Gln (NM_001005336.3, NM_001288737.2, NM_001288738.2 and 2 more transcripts); short protein forms R451Q.
Identifiers: ClinVar variation 2870706 (VCV002870706.3), dbSNP rs1380787820, ClinGen allele CA375022687.

ClinVar aggregate classification (germline): Uncertain significance (1 of 4 stars; one submission).

Conditions:
Developmental and epileptic encephalopathy, 31A. Also called: Developmental and epileptic encephalopathy, 31; Epileptic encephalopathy, early infantile, 31. Identifiers: Orphanet 2382, MedGen C4225357, MONDO:0014598, OMIM 616346.

Allele frequency attached by ClinVar (database versions not stated): gnomAD 0.00001; TOPMed 0.00001; gnomAD exomes 0.00002.
gnomAD v4.1: 23 of 1,572,686 alleles (0.0015%); highest among the groups gnomAD compares: Non-Finnish European, 0.0019%; no homozygotes.

Submission:

Labcorp Genetics (formerly Invitae), Labcorp
Classification: Uncertain significance for Developmental and epileptic encephalopathy, 31A. Last evaluated: 2023-07-25. Review status: criteria provided, single submitter. Criteria: Invitae Variant Classification Sherloc (09022015). Collection method: clinical testing. Allele origin: germline.
Comment: In summary, the available evidence is currently insufficient to determine the role of this variant in disease. Therefore, it has been classified as a Variant of Uncertain Significance. Advanced modeling of protein sequence and biophysical properties (such as structural, functional, and spatial information, amino acid conservation, physicochemical variation, residue mobility, and thermodynamic stability) performed at Invitae indicates that this missense variant is not expected to disrupt DNM1 protein function. This variant has not been reported in the literature in individuals affected with DNM1-related conditions. This variant is present in population databases (no rsID available, gnomAD 0.007%). This sequence change replaces arginine, which is basic and polar, with glutamine, which is neutral and polar, at codon 451 of the DNM1 protein (p.Arg451Gln).